The following is an entry in ClinVar:

ClinVar aggregate classification (germline): Likely pathogenic (1 of 4 stars; one submission).

Conditions:
Arthrogryposis multiplex congenita 5. Identifiers: MedGen C5436453, MONDO:0100218, OMIM 618947.

Submission:

Variantyx, Inc.
Classification: Likely pathogenic for Arthrogryposis multiplex congenita 5. Last evaluated: 2025-06-05. Review status: criteria provided, single submitter. Criteria: Variantyx Assertion Criteria 2022. Collection method: clinical testing. Allele origin: germline. Inheritance: Autosomal recessive inheritance. Affected: yes.
Comment: This is a canonical splicing variant in the TOR1A gene (OMIM: 605204). Pathogenic variants in this gene have been associated with autosomal recessive arthrogryposis multiplex congenita 5. Loss of function is a known disease mechanism for TOR1A in this disorder (PMID: 29053766, 28516161, 30244176). However, the functional consequence of this splicing variant cannot be predicted with certainty (PVS1_Moderate). This variant has been reported in the homozygous or compound heterozygous state in at least one affected individual (PM3). The clinical symptoms reported for this individual were highly specific for autosomal recessive arthrogryposis multiplex congenita 5, which has a limited genetic etiology (PP4). This variant is absent from control populations (PM2). Based on the current evidence, this variant is classified as likely pathogenic for autosomal recessive arthrogryposis multiplex congenita 5.

Literature cited by the submitters: PubMed 29053766; PubMed 28516161; PubMed 30244176.

NM_000113.3(TOR1A):c.621-2A>G

Gene: TOR1A (torsin family 1 member A; minus strand). Cytogenetic location: 9q34.11.
Variant type: single nucleotide variant.
Coding change: c.621-2A>G on transcript NM_000113.3 (MANE Select); the canonical splice acceptor site of the intron before coding-DNA position 621, A replaced by G.
Molecular consequence: splice acceptor variant.
Genome position (GRCh38, 1-based): chr9:129,818,649, T>C on the plus strand (A>G on the coding strand, the complement: TOR1A is on the minus strand). VCF-style: chr9-129818649-T-C. GRCh37 (hg19) VCF-style: chr9-132580928-T-C.
Identifiers: ClinVar variation 4813705 (VCV004813705.1).